The following is an entry in ClinVar:

ClinVar aggregate classification (germline): Conflicting classifications of pathogenicity. Review status: criteria provided, conflicting classifications (1 of 4 stars). 2 submissions from 1 submitter: Uncertain significance (1); Likely benign (1). Last evaluated 2018-01-13.

Conditions:
Bardet-Biedl syndrome 16 (BBS16). Identifiers: Orphanet 110, MedGen C3889474, MONDO:0014444, OMIM 615993.
Senior-Loken syndrome 7 (SLSN7). Identifiers: Orphanet 3156, MedGen C3150877, MONDO:0013326, OMIM 613615.

Allele frequency attached by ClinVar (database versions not stated): gnomAD below 0.00001 and 0.00009; TOPMed below 0.00001; 1000 Genomes Project 0.00060; 1000 Genomes Project 30x 0.00062.
gnomAD v4.1: 252 of 1,180,672 alleles (0.021%); highest among the groups gnomAD compares: South Asian, 0.3%; 4 homozygotes.

Submissions (2):

Illumina Laboratory Services, Illumina
Classification: Likely benign for Senior-Loken syndrome 7. Last evaluated: 2018-01-13. Review status: criteria provided, single submitter. Criteria: ICSL Variant Classification Criteria 13 December 2019. Collection method: clinical testing. Allele origin: germline.
Comment: This variant was observed in the ICSL laboratory as part of a predisposition screen in an ostensibly healthy population. It had not been previously curated by ICSL or reported in the Human Gene Mutation Database (HGMD: prior to June 1st, 2018), and was therefore a candidate for classification through an automated scoring system. Utilizing variant allele frequency, disease prevalence and penetrance estimates, and inheritance mode, an automated score was calculated to assess if this variant is too frequent to cause the disease. Based on the score and internal cut-off values, a variant classified as likely benign is not then subjected to further curation. The score for this variant resulted in a classification of likely benign for this disease.

Illumina Laboratory Services, Illumina
Classification: Uncertain significance for Bardet-Biedl syndrome 16. Last evaluated: 2018-01-13. Review status: criteria provided, single submitter. Criteria: ICSL Variant Classification Criteria 13 December 2019. Collection method: clinical testing. Allele origin: germline.

NM_006642.5(SDCCAG8):c.*97G>A

Genes: SDCCAG8 (SHH signaling and ciliogenesis regulator SDCCAG8; plus strand), AKT3 (AKT serine/threonine kinase 3; minus strand). Cytogenetic location: 1q43.
Variant type: single nucleotide variant.
Coding change: c.*97G>A on transcript NM_006642.5 (MANE Select); 97 bases downstream of the stop codon, G replaced by A.
Molecular consequence: 3 prime UTR variant. On other transcripts: intron variant (2).
Genome position (GRCh38, 1-based): chr1:243,499,882, G>A. VCF-style: chr1-243499882-G-A. GRCh37 (hg19) VCF-style: chr1-243663184-G-A.
Other names: c.*5367C>T (NM_001370074.1, NM_005465.7); c.*97G>A (NM_001350246.2, NM_001350247.2, NM_001350248.2 and 2 more transcripts); c.1355-96C>T (NM_181690.2, NM_001206729.2).
Identifiers: ClinVar variation 296918 (VCV000296918.5), dbSNP rs554190542, ClinGen allele CA10609951.